The following is an entry in ClinVar:

ClinVar aggregate classification (germline): Uncertain significance (1 of 4 stars; one submission).

Allele frequency attached by ClinVar (database versions not stated): ExAC 0.00001; TOPMed 0.00002; gnomAD 0.00003; gnomAD exomes 0.00004.
gnomAD v4.1: 57 of 1,613,600 alleles (0.0035%); highest among the groups gnomAD compares: East Asian, 0.031%; 1 homozygote.

Submission:

Labcorp Genetics (formerly Invitae), Labcorp
Classification: Uncertain significance. Last evaluated: 2024-08-19. Review status: criteria provided, single submitter. Criteria: Invitae Variant Classification Sherloc (09022015). Collection method: clinical testing. Allele origin: germline.
Comment: This sequence change replaces arginine, which is basic and polar, with glutamine, which is neutral and polar, at codon 223 of the CLCN6 protein (p.Arg223Gln). This variant is present in population databases (rs770186709, gnomAD 0.01%). This variant has not been reported in the literature in individuals affected with CLCN6-related conditions. ClinVar contains an entry for this variant (Variation ID: 2188951). An algorithm developed to predict the effect of missense changes on protein structure and function outputs the following: PolyPhen-2: "Benign". The glutamine amino acid residue is found in multiple mammalian species, which suggests that this missense change does not adversely affect protein function. In summary, the available evidence is currently insufficient to determine the role of this variant in disease. Therefore, it has been classified as a Variant of Uncertain Significance.

NM_001286.5(CLCN6):c.668G>A (p.Arg223Gln)

Gene: CLCN6 (chloride voltage-gated channel 6; plus strand). Cytogenetic location: 1p36.22.
Variant type: single nucleotide variant.
Coding change: c.668G>A on transcript NM_001286.5 (MANE Select); coding-DNA position 668, G replaced by A.
Protein change: p.Arg223Gln; replaces arginine 223 with glutamine.
Molecular consequence: missense variant. On other transcripts: non-coding transcript variant (1).
Genome position (GRCh38, 1-based): chr1:11,826,175, G>A. VCF-style: chr1-11826175-G-A. GRCh37 (hg19) VCF-style: chr1-11886232-G-A.
Other names: c.602G>A, p.Arg201Gln (NM_001256959.2); short protein forms R223Q, R201Q.
Identifiers: ClinVar variation 2188951 (VCV002188951.3), dbSNP rs770186709, ClinGen allele CA596186.
Genomic context (GRCh38, chr1:11,826,175, plus strand): 5'-ATGAGTAGGCTCTTTAGTGGCTCTCTTTTCTCTTGCTTTAGTTTCAGAGCATCTCCTTAC[G>A]GAAGATCCAGTTTAACTTCCCCTATTTCCGAAGCGACAGGTATGGAAAGGTTAGAAATTG-3'
Protein context (NP_001277.2, residues 213-233): GLPQFQSISL[Arg223Gln]KIQFNFPYFR